The following is an entry in ClinVar:

NM_001382241.1(TNPO2):c.82C>A (p.Gln28Lys)

Gene: TNPO2 (transportin 2; minus strand). Cytogenetic location: 19p13.13.
Variant type: single nucleotide variant.
Coding change: c.82C>A on transcript NM_001382241.1 (MANE Select); coding-DNA position 82, C replaced by A.
Protein change: p.Gln28Lys; replaces glutamine 28 with lysine.
Molecular consequence: missense variant. On other transcripts: non-coding transcript variant (6).
Genome position (GRCh38, 1-based): chr19:12,720,896, G>T on the plus strand (C>A on the coding strand, the complement: TNPO2 is on the minus strand). VCF-style: chr19-12720896-G-T. GRCh37 (hg19) VCF-style: chr19-12831710-G-T.
Other names: c.82C>A, p.Gln28Lys (NM_001136195.2, NM_001136196.2, NM_001382236.1 and 7 more transcripts); short protein forms Q28K.
Identifiers: ClinVar variation 4845653 (VCV004845653.1).

ClinVar aggregate classification (germline): Likely pathogenic (1 of 4 stars; one submission).

Conditions:
Intellectual developmental disorder with hypotonia, impaired speech, and dysmorphic facies (IDDHISD). Identifiers: MedGen C5561997, MONDO:0859197, OMIM 619556.

gnomAD v4.1: 1 of 1,604,226 alleles (0.000062%); no homozygotes.

Submission:

Department of Clinical Genetics, Aarhus University Hospital
Classification: Likely pathogenic for Intellectual developmental disorder with hypotonia, impaired speech, and dysmorphic facies. Last evaluated: 2026-02-23. Review status: criteria provided, single submitter. Criteria: ACMG Guidelines, 2015. Collection method: clinical testing. Allele origin: de novo. Inheritance: Autosomal dominant inheritance. Affected: yes.
Comment: The variant is a missense variant in a gene with low benign missense variation. The variant is present in 1 person in gnomAD v4.1, however data indicates mosaicism. A different missense variant at the same position (p.(Gln28Arg)) has been reported in a patient (PMID: 34314705). Computational tools predicts the variant as uncertain significance (REVEL) or pathogenic (AlphaMissense). According to the ACMG guidelines, this variant is interpreted as likely pathogenic (PS2_moderate, PP3_supporting, PP2_supporting PM5_moderate, PM2_supporting).

Literature cited by the submitters: PubMed 34314705.